The following is an entry in ClinVar:

NM_000264.5(PTCH1):c.3463G>C (p.Val1155Leu)

Gene: PTCH1 (patched 1; minus strand). Cytogenetic location: 9q22.32.
Variant type: single nucleotide variant.
Coding change: c.3463G>C on transcript NM_000264.5 (MANE Select); coding-DNA position 3463, G replaced by C.
Protein change: p.Val1155Leu; replaces valine 1155 with leucine.
Molecular consequence: missense variant. On other transcripts: non-coding transcript variant (1).
Genome position (GRCh38, 1-based): chr9:95,449,927, C>G on the plus strand (G>C on the coding strand, the complement: PTCH1 is on the minus strand). VCF-style: chr9-95449927-C-G. GRCh37 (hg19) VCF-style: chr9-98212209-C-G.
Other names: c.3265G>C, p.Val1089Leu (NM_001083602.3); c.3460G>C, p.Val1154Leu (NM_001083603.3); c.3010G>C, p.Val1004Leu (NM_001083604.3, NM_001083605.3, NM_001083606.3 and 1 more transcripts); c.3307G>C, p.Val1103Leu (NM_001354918.2); short protein forms V1004L, V1103L, V1154L, V1155L, V1089L.
Identifiers: ClinVar variation 2842051 (VCV002842051.4), dbSNP rs1588519562, ClinGen allele CA374111603.

ClinVar aggregate classification (germline): Uncertain significance. Review status: criteria provided, multiple submitters, no conflicts (2 of 4 stars). 2 submissions from 2 submitters: Uncertain significance (2). Last evaluated 2024-07-19.

Conditions:
Hereditary cancer-predisposing syndrome. Also called: Hereditary Cancer Syndrome; Hereditary neoplastic syndrome; Neoplastic Syndromes, Hereditary; Tumor predisposition. Identifiers: Orphanet 140162, MedGen C0027672, MeSH D009386, MONDO:0015356.
Gorlin syndrome. Also called: Nevoid Basal Cell Carcinoma Syndrome; Basal cell nevus syndrome. Identifiers: Orphanet 377, MedGen C0004779, MONDO:0007187.

Submissions (2):

Labcorp Genetics (formerly Invitae), Labcorp
Classification: Uncertain significance for Gorlin syndrome. Last evaluated: 2024-07-19. Review status: criteria provided, single submitter. Criteria: Invitae Variant Classification Sherloc (09022015). Collection method: clinical testing. Allele origin: germline.
Comment: This sequence change replaces valine, which is neutral and non-polar, with leucine, which is neutral and non-polar, at codon 1155 of the PTCH1 protein (p.Val1155Leu). This variant is not present in population databases (gnomAD no frequency). This variant has not been reported in the literature in individuals affected with PTCH1-related conditions. Advanced modeling of protein sequence and biophysical properties (such as structural, functional, and spatial information, amino acid conservation, physicochemical variation, residue mobility, and thermodynamic stability) performed at Invitae indicates that this missense variant is not expected to disrupt PTCH1 protein function with a negative predictive value of 95%. In summary, the available evidence is currently insufficient to determine the role of this variant in disease. Therefore, it has been classified as a Variant of Uncertain Significance.

Ambry Genetics
Classification: Uncertain significance for Hereditary cancer-predisposing syndrome. Last evaluated: 2024-03-17. Review status: criteria provided, single submitter. Criteria: Ambry Variant Classification Scheme 2023. Collection method: clinical testing. Allele origin: germline.
Comment: The p.V1155L variant (also known as c.3463G>C), located in coding exon 21 of the PTCH1 gene, results from a G to C substitution at nucleotide position 3463. The valine at codon 1155 is replaced by leucine, an amino acid with highly similar properties. This amino acid position is conserved. In addition, this alteration is predicted to be deleterious by in silico analysis. Based on the available evidence, the clinical significance of this alteration remains unclear.